The following is an entry in ClinVar:

ClinVar aggregate classification (germline): Conflicting classifications of pathogenicity. Review status: criteria provided, conflicting classifications (1 of 4 stars). 2 submissions from 2 submitters: Likely pathogenic (1); Uncertain significance (1). Last evaluated 2025-08-31.

Conditions:
Progressive external ophthalmoplegia with mitochondrial DNA deletions, autosomal recessive 1 (PEOB1). Also called: Progressive external ophthalmoplegia, autosomal recessive 1; Autosomal Recessive Progressive External Ophthalmoplegia (arPEO). Identifiers: Orphanet 254886, MedGen C4225153, MONDO:0009783, OMIM 258450.
Progressive external ophthalmoplegia with mitochondrial DNA deletions, autosomal dominant 1 (PEOA1). Also called: PROGRESSIVE EXTERNAL OPHTHALMOPLEGIA, AUTOSOMAL DOMINANT 1; Autosomal Dominant Progressive External Ophthalmoplegia (adPEO). Identifiers: MedGen C1834846, MONDO:0024528, OMIM 157640.
Progressive sclerosing poliodystrophy (MTDPS4A). Also called: ALPERS PROGRESSIVE INFANTILE POLIODYSTROPHY; NEURONAL DEGENERATION OF CHILDHOOD WITH LIVER DISEASE, PROGRESSIVE; Alpers Syndrome; ALPERS DIFFUSE DEGENERATION OF CEREBRAL GRAY MATTER WITH HEPATIC CIRRHOSIS; Mitochondrial DNA depletion syndrome 4A (Alpers type); Mitochondrial DNA Depletion Syndrome 4A. Identifiers: Orphanet 726, MedGen C0205710, MONDO:0008758, OMIM 203700.
Mitochondrial DNA depletion syndrome 4b. Also called: Mitochondrial Neurogastrointestinal Encephalopathy Disease, POLG-Related; MNGIE, POLG-RELATED. Identifiers: Orphanet 298, MedGen C3150914, MONDO:0013350, OMIM 613662.
Sensory ataxic neuropathy, dysarthria, and ophthalmoparesis (SANDO). Also called: Sensory ataxic neuropathy-dysarthria-ophthalmoparesis syndrome; SENSORY ATAXIC NEUROPATHY WITH MITOCHONDRIAL DNA DELETIONS, AUTOSOMAL RECESSIVE; Ataxia Neuropathy Spectrum (ANS); Epilepsy, progressive myoclonic, type 5. Identifiers: Orphanet 70595, MedGen C1843851, MONDO:0011835, OMIM 607459.

gnomAD v4.1: 7 of 1,614,176 alleles (0.00043%); highest among the groups gnomAD compares: Non-Finnish European, 0.00059%; no homozygotes.

Submissions (2):

Labcorp Genetics (formerly Invitae), Labcorp
Classification: Uncertain significance for Progressive sclerosing poliodystrophy. Last evaluated: 2025-08-31. Review status: criteria provided, single submitter. Criteria: Invitae Variant Classification Sherloc (09022015). Collection method: clinical testing. Allele origin: germline.
Comment: This sequence change falls in intron 19 of the POLG gene. It does not directly change the encoded amino acid sequence of the POLG protein. It affects a nucleotide within the consensus splice site. This variant is not present in population databases (gnomAD no frequency). This variant has not been reported in the literature in individuals affected with POLG-related conditions. ClinVar contains an entry for this variant (Variation ID: 3577993). Variants that disrupt the consensus splice site are a relatively common cause of aberrant splicing (PMID: 17576681, 9536098). Algorithms developed to predict the effect of sequence changes on RNA splicing suggest that this variant may disrupt the consensus splice site. This variant disrupts the c.3104+3 nucleotide in the POLG gene. Other variant(s) that disrupt this nucleotide have been determined to be pathogenic (PMID: 21670405). This suggests that this nucleotide is clinically significant, and that variants that disrupt this position are likely to be disease-causing. In summary, the available evidence is currently insufficient to determine the role of this variant in disease. Therefore, it has been classified as a Variant of Uncertain Significance.

Fulgent Genetics
Classification: Likely pathogenic for Progressive external ophthalmoplegia with mitochondrial DNA deletions, autosomal dominant 1; Progressive sclerosing poliodystrophy; Progressive external ophthalmoplegia with mitochondrial DNA deletions, autosomal recessive 1; Sensory ataxic neuropathy, dysarthria, and ophthalmoparesis; Mitochondrial DNA depletion syndrome 4b. Last evaluated: 2024-01-10. Review status: criteria provided, single submitter. Criteria: ACMG Guidelines, 2015. Collection method: clinical testing. Allele origin: germline.

Literature cited by the submitters: PubMed 17576681 (cited by Labcorp Genetics (formerly Invitae), Labcorp); PubMed 9536098 (cited by Labcorp Genetics (formerly Invitae), Labcorp); PubMed 21670405 (cited by Labcorp Genetics (formerly Invitae), Labcorp).

NM_002693.3(POLG):c.3104+3A>C

Gene: POLG (DNA polymerase gamma, catalytic subunit; minus strand). Cytogenetic location: 15q26.1.
Variant type: single nucleotide variant.
Coding change: c.3104+3A>C on transcript NM_002693.3 (MANE Select); 3 bases into the intron after coding-DNA position 3104, A replaced by C.
Molecular consequence: intron variant.
Genome position (GRCh38, 1-based): chr15:89,319,225, T>G on the plus strand (A>C on the coding strand, the complement: POLG is on the minus strand). VCF-style: chr15-89319225-T-G. GRCh37 (hg19) VCF-style: chr15-89862456-T-G.
Other names: c.3104+3A>C (NM_001126131.2).
Identifiers: ClinVar variation 3577993 (VCV003577993.2).